The following is an entry in ClinVar:

NM_004655.4(AXIN2):c.1580C>T (p.Thr527Ile)

Gene: AXIN2 (axin 2; minus strand). Cytogenetic location: 17q24.1.
Variant type: single nucleotide variant.
Coding change: c.1580C>T on transcript NM_004655.4 (MANE Select); coding-DNA position 1580, C replaced by T.
Protein change: p.Thr527Ile; replaces threonine 527 with isoleucine.
Molecular consequence: missense variant.
Genome position (GRCh38, 1-based): chr17:65,537,456, G>A on the plus strand (C>T on the coding strand, the complement: AXIN2 is on the minus strand). VCF-style: chr17-65537456-G-A. GRCh37 (hg19) VCF-style: chr17-63533574-G-A.
Other names: c.1580C>T, p.Thr527Ile (NM_001363813.1); c.1580C>T (LRG_296t1); short protein forms T527I.
Identifiers: ClinVar variation 533161 (VCV000533161.12), dbSNP rs1435184211, ClinGen allele CA400677219.

ClinVar aggregate classification (germline): Uncertain significance. Review status: criteria provided, multiple submitters, no conflicts (2 of 4 stars). 2 submissions from 2 submitters: Uncertain significance (2). Last evaluated 2025-07-08.

Conditions:
Hereditary cancer-predisposing syndrome. Also called: Hereditary neoplastic syndrome; Neoplastic Syndromes, Hereditary; Tumor predisposition; Hereditary Cancer Syndrome. Identifiers: Orphanet 140162, MedGen C0027672, MeSH D009386, MONDO:0015356.
Oligodontia-cancer predisposition syndrome. Also called: TOOTH AGENESIS-COLORECTAL CANCER SYNDROME. Identifiers: Orphanet 300576, MedGen C1837750, MONDO:0012075, OMIM 608615. Disease mechanism: loss of function.

Allele frequency attached by ClinVar (database versions not stated): gnomAD exomes below 0.00001; TOPMed below 0.00001; gnomAD 0.00001.
gnomAD v4.1: 3 of 1,613,878 alleles (0.00019%); highest among the groups gnomAD compares: Non-Finnish European, 0.00025%; no homozygotes.

Submissions (2):

Labcorp Genetics (formerly Invitae), Labcorp
Classification: Uncertain significance for Oligodontia-cancer predisposition syndrome. Last evaluated: 2025-07-08. Review status: criteria provided, single submitter. Criteria: Invitae Variant Classification Sherloc (09022015). Collection method: clinical testing. Allele origin: germline.
Comment: This sequence change replaces threonine, which is neutral and polar, with isoleucine, which is neutral and non-polar, at codon 527 of the AXIN2 protein (p.Thr527Ile). This variant is not present in population databases (gnomAD no frequency). This variant has not been reported in the literature in individuals affected with AXIN2-related conditions. ClinVar contains an entry for this variant (Variation ID: 533161). Invitae Evidence Modeling of protein sequence and biophysical properties (such as structural, functional, and spatial information, amino acid conservation, physicochemical variation, residue mobility, and thermodynamic stability) indicates that this missense variant is not expected to disrupt AXIN2 protein function with a negative predictive value of 80%. In summary, the available evidence is currently insufficient to determine the role of this variant in disease. Therefore, it has been classified as a Variant of Uncertain Significance.

Ambry Genetics
Classification: Uncertain significance for Hereditary cancer-predisposing syndrome. Last evaluated: 2025-05-02. Review status: criteria provided, single submitter. Criteria: Ambry Variant Classification Scheme 2023. Collection method: clinical testing. Allele origin: germline.
Comment: The p.T527I variant (also known as c.1580C>T), located in coding exon 5 of the AXIN2 gene, results from a C to T substitution at nucleotide position 1580. The threonine at codon 527 is replaced by isoleucine, an amino acid with similar properties. This amino acid position is well conserved in available vertebrate species. In addition, the in silico prediction for this alteration is inconclusive. Since supporting evidence is limited at this time, the clinical significance of this alteration remains unclear.